The following is an entry in ClinVar:

NM_004655.4(AXIN2):c.2406G>A (p.Arg802=)

Gene: AXIN2 (axin 2; minus strand). Cytogenetic location: 17q24.1.
Variant type: single nucleotide variant.
Coding change: c.2406G>A on transcript NM_004655.4 (MANE Select); coding-DNA position 2406, G replaced by A.
Protein change: p.Arg802=; no amino-acid change (arginine 802 retained).
Molecular consequence: synonymous variant.
Genome position (GRCh38, 1-based): chr17:65,530,102, C>T on the plus strand (G>A on the coding strand, the complement: AXIN2 is on the minus strand). VCF-style: chr17-65530102-C-T. GRCh37 (hg19) VCF-style: chr17-63526220-C-T.
Other names: c.2211G>A, p.Arg737= (NM_001363813.1).
Identifiers: ClinVar variation 821227 (VCV000821227.9), dbSNP rs1598090060, ClinGen allele CA501475776.

ClinVar aggregate classification (germline): Conflicting classifications of pathogenicity. Review status: criteria provided, conflicting classifications (1 of 4 stars). 2 submissions from 2 submitters: Uncertain significance (1); Likely benign (1). Last evaluated 2022-08-04.

Conditions:
Oligodontia-cancer predisposition syndrome. Also called: TOOTH AGENESIS-COLORECTAL CANCER SYNDROME. Identifiers: Orphanet 300576, MedGen C1837750, MONDO:0012075, OMIM 608615. Disease mechanism: loss of function.
Hereditary cancer-predisposing syndrome. Also called: Neoplastic Syndromes, Hereditary; Tumor predisposition; Hereditary Cancer Syndrome; Hereditary neoplastic syndrome. Identifiers: Orphanet 140162, MedGen C0027672, MeSH D009386, MONDO:0015356.

Submissions (2):

Labcorp Genetics (formerly Invitae), Labcorp
Classification: Uncertain significance for Oligodontia-cancer predisposition syndrome. Last evaluated: 2022-08-04. Review status: criteria provided, single submitter. Criteria: Invitae Variant Classification Sherloc (09022015). Collection method: clinical testing. Allele origin: germline.
Comment: In summary, the available evidence is currently insufficient to determine the role of this variant in disease. Therefore, it has been classified as a Variant of Uncertain Significance. Algorithms developed to predict the effect of sequence changes on RNA splicing suggest that this variant is not likely to affect RNA splicing. ClinVar contains an entry for this variant (Variation ID: 821227). This variant has not been reported in the literature in individuals affected with AXIN2-related conditions. This variant is not present in population databases (gnomAD no frequency). This sequence change affects codon 802 of the AXIN2 mRNA. It is a 'silent' change, meaning that it does not change the encoded amino acid sequence of the AXIN2 protein. It affects a nucleotide within the consensus splice site.

Ambry Genetics
Classification: Likely benign for Hereditary cancer-predisposing syndrome. Last evaluated: 2019-10-03. Review status: criteria provided, single submitter. Criteria: Ambry Variant Classification Scheme 2023. Collection method: clinical testing. Allele origin: germline.